The following is an entry in ClinVar:

ClinVar aggregate classification (germline): Uncertain significance (1 of 4 stars; one submission).

Submission:

Labcorp Genetics (formerly Invitae), Labcorp
Classification: Uncertain significance. Last evaluated: 2023-09-10. Review status: criteria provided, single submitter. Criteria: Invitae Variant Classification Sherloc (09022015). Collection method: clinical testing. Allele origin: germline.
Comment: Algorithms developed to predict the effect of sequence changes on RNA splicing suggest that this variant may disrupt the consensus splice site. In summary, the available evidence is currently insufficient to determine the role of this variant in disease. Therefore, it has been classified as a Variant of Uncertain Significance. Advanced modeling of protein sequence and biophysical properties (such as structural, functional, and spatial information, amino acid conservation, physicochemical variation, residue mobility, and thermodynamic stability) performed at Invitae indicates that this missense variant is not expected to disrupt MBTPS2 protein function. This sequence change replaces isoleucine, which is neutral and non-polar, with threonine, which is neutral and polar, at codon 449 of the MBTPS2 protein (p.Ile449Thr). This variant is not present in population databases (gnomAD no frequency). This variant has not been reported in the literature in individuals affected with MBTPS2-related conditions.

NM_015884.4(MBTPS2):c.1346T>C (p.Ile449Thr)

Gene: MBTPS2 (membrane bound transcription factor peptidase, site 2; plus strand). Cytogenetic location: Xp22.12.
Variant type: single nucleotide variant.
Coding change: c.1346T>C on transcript NM_015884.4 (MANE Select); coding-DNA position 1346, T replaced by C.
Protein change: p.Ile449Thr; replaces isoleucine 449 with threonine.
Molecular consequence: missense variant.
Genome position (GRCh38, 1-based): chrX:21,882,441, T>C. VCF-style: chrX-21882441-T-C. GRCh37 (hg19) VCF-style: chrX-21900559-T-C.
Other names: short protein forms I449T.
Identifiers: ClinVar variation 2759972 (VCV002759972.3), dbSNP rs2519591947, ClinGen allele CA412570192.